The following is an entry in ClinVar:

ClinVar aggregate classification (germline): Conflicting classifications of pathogenicity. Review status: criteria provided, conflicting classifications (1 of 4 stars). 7 submissions from 7 submitters: Uncertain significance (5); Likely benign (2). Last evaluated 2023-07-14.

Conditions:
Autosomal recessive limb-girdle muscular dystrophy type 2J (LGMDR10). Also called: MUSCULAR DYSTROPHY, LIMB-GIRDLE, AUTOSOMAL RECESSIVE 10; Limb-girdle muscular dystrophy, type 2J. Identifiers: Orphanet 140922, MedGen C1837342, MONDO:0012127, OMIM 608807.
Dilated cardiomyopathy 1G (CMD1G). Identifiers: Orphanet 154, MedGen C1858763, MONDO:0011400, OMIM 604145.
Early-onset myopathy with fatal cardiomyopathy (CMYO5). Also called: CONGENITAL MYOPATHY 5 WITH CARDIOMYOPATHY; Salih Myopathy. Identifiers: Orphanet 289377, MedGen C2673677, MONDO:0012714, OMIM 611705. Disease mechanism: loss of function.
Myopathy, myofibrillar, 9, with early respiratory failure (MFM9). Also called: EDSTROM MYOPATHY; Hereditary myopathy with early respiratory failure; MYOPATHY, PROXIMAL, WITH EARLY RESPIRATORY MUSCLE INVOLVEMENT; Myopathy, distal, with early respiratory failure, autosomal dominant. Identifiers: Orphanet 178464, Orphanet 34521, MedGen C1863599, MONDO:0011362, OMIM 603689.
Tibial muscular dystrophy (TMD). Also called: Tibial muscular dystrophy, tardive; Udd Distal Myopathy – Tibial Muscular Dystrophy; UDD MYOPATHY. Identifiers: Orphanet 609, MedGen C1838244, MONDO:0010870, OMIM 600334.
Hypertrophic cardiomyopathy 9. Also called: Familial hypertrophic cardiomyopathy 9. Identifiers: MedGen C1861065, MONDO:0013412, OMIM 613765.

Allele frequency attached by ClinVar (database versions not stated): gnomAD exomes 0.00003 and 0.00006; gnomAD 0.00004 and 0.00005; ExAC 0.00005; ESP Exome Variant Server 0.00008; TOPMed 0.00008.
gnomAD v4.1: 90 of 1,613,562 alleles (0.0056%); highest among the groups gnomAD compares: Non-Finnish European, 0.0073%; no homozygotes.

Submissions (7):

Blueprint Genetics
Classification: Likely benign. Last evaluated: 2023-07-14. Review status: criteria provided, single submitter. Criteria: ACMG Guidelines, 2015. Collection method: clinical testing. Allele origin: germline.

Mayo Clinic Laboratories, Mayo Clinic
Classification: Uncertain significance. Last evaluated: 2022-10-07. Review status: criteria provided, single submitter. Criteria: ACMG Guidelines, 2015. Collection method: clinical testing. Allele origin: germline. Observed: 1 variant allele.
Comment: BP4

Revvity Omics, Revvity
Classification: Uncertain significance. Last evaluated: 2022-08-18. Review status: criteria provided, single submitter. Criteria: ACMG Guidelines, 2015. Collection method: clinical testing. Allele origin: germline.

ARUP Laboratories, Molecular Genetics and Genomics, ARUP Laboratories
Classification: Uncertain significance. Last evaluated: 2020-04-30. Review status: criteria provided, single submitter. Criteria: ARUP Molecular Germline Variant Investigation Process. Collection method: clinical testing. Allele origin: germline.
Comment: The TTN c.70570A>G; p.Thr23524Ala variant (rs369526268; ClinVar Variation ID: 202827) is rare in the general population (<1% allele frequency in the Genome Aggregation Database) and has not been reported in the medical literature in association with dilated cardiomyopathy (DCM) or other TTN-related disease. The clinical relevance of rare missense variants in this gene, which are identified on average once per individual sequenced in affected populations (Herman 2012), is not well understood. Yet, evidence suggests that the vast majority of such missense variants do not contribute to the clinical outcome of DCM (Begay 2015). Thus, the clinical significance of the p.Thr23524Ala variant cannot be determined with certainty. REFERENCES Begay RL et al. Role of Titin Missense Variants in Dilated Cardiomyopathy. J Am Heart Assoc. 2015 Nov 13;4(11). Herman DS et al. Truncations of titin causing dilated cardiomyopathy. N Engl J Med. 2012 Feb 16;366(7):619-28. Linke WA and Hamdani N. Gigantic business: titin properties and function through thick and thin. Circ Res 2014; 114(6): 1052-1068.

GeneDx
Classification: Likely benign. Last evaluated: 2019-01-14. Review status: criteria provided, single submitter. Criteria: GeneDx Variant Classification Process June 2021. Collection method: clinical testing. Allele origin: germline. Affected: yes.
Comment: This variant is associated with the following publications: (PMID: 31983221)

Fulgent Genetics
Classification: Uncertain significance for Tibial muscular dystrophy; Myopathy, myofibrillar, 9, with early respiratory failure; Dilated cardiomyopathy 1G; Autosomal recessive limb-girdle muscular dystrophy type 2J; Early-onset myopathy with fatal cardiomyopathy; Hypertrophic cardiomyopathy 9. Last evaluated: 2018-10-31. Review status: criteria provided, single submitter. Criteria: ACMG Guidelines, 2015. Collection method: clinical testing. Allele origin: unknown.

Labcorp Genetics (formerly Invitae), Labcorp
Classification: Uncertain significance for Dilated cardiomyopathy 1G; Autosomal recessive limb-girdle muscular dystrophy type 2J. Last evaluated: 2017-12-29. Review status: criteria provided, single submitter. Criteria: Invitae Variant Classification Sherloc (09022015). Collection method: clinical testing. Allele origin: germline.

Literature cited by the submitters: PubMed 31983221 (cited by Mayo Clinic Laboratories, Mayo Clinic).

NM_001267550.2(TTN):c.70570A>G (p.Thr23524Ala)

Genes: TTN (titin; minus strand), TTN-AS1 (TTN antisense RNA 1; plus strand), LOC126806422 (BRD4-independent group 4 enhancer GRCh37_chr2:179440205-179441404; plus strand). Cytogenetic location: 2q31.2.
Variant type: single nucleotide variant.
Coding change: c.70570A>G on transcript NM_001267550.2 (MANE Select); coding-DNA position 70570, A replaced by G.
Protein change: p.Thr23524Ala; replaces threonine 23524 with alanine.
Molecular consequence: missense variant.
Genome position (GRCh38, 1-based): chr2:178,575,562, T>C on the plus strand (A>G on the coding strand, the complement: TTN is on the minus strand). VCF-style: chr2-178575562-T-C. GRCh37 (hg19) VCF-style: chr2-179440289-T-C.
Other names: p.T21883A:ACA>GCA; p.Thr20956Ala; c.65647A>G, p.Thr21883Ala (NM_001256850.1); c.43375A>G, p.Thr14459Ala (NM_003319.4); c.62866A>G, p.Thr20956Ala (NM_133378.4); c.43750A>G, p.Thr14584Ala (NM_133432.3); c.43951A>G, p.Thr14651Ala (NM_133437.4); short protein forms T21883A, T23524A, T14584A, T14459A, T20956A, T14651A.
Identifiers: ClinVar variation 202827 (VCV000202827.19), dbSNP rs369526268, ClinGen allele CA310409.